The following is an entry in ClinVar:

ClinVar aggregate classification (germline): Uncertain significance (1 of 4 stars; one submission).

Conditions:
Kabuki syndrome. Also called: Kabuki make-up syndrome; NIIKAWA-KUROKI SYNDROME. Identifiers: Orphanet 2322, MedGen C0796004, MONDO:0016512.

Submission:

Labcorp Genetics (formerly Invitae), Labcorp
Classification: Uncertain significance for Kabuki syndrome. Last evaluated: 2022-05-08. Review status: criteria provided, single submitter. Criteria: Invitae Variant Classification Sherloc (09022015). Collection method: clinical testing. Allele origin: germline.
Comment: In summary, the available evidence is currently insufficient to determine the role of this variant in disease. Therefore, it has been classified as a Variant of Uncertain Significance. Advanced modeling of protein sequence and biophysical properties (such as structural, functional, and spatial information, amino acid conservation, physicochemical variation, residue mobility, and thermodynamic stability) performed at Invitae indicates that this missense variant is not expected to disrupt KMT2D protein function. This variant has not been reported in the literature in individuals affected with KMT2D-related conditions. This variant is not present in population databases (gnomAD no frequency). This sequence change replaces valine, which is neutral and non-polar, with glycine, which is neutral and non-polar, at codon 1248 of the KMT2D protein (p.Val1248Gly).

NM_003482.4(KMT2D):c.3743T>G (p.Val1248Gly)

Genes: KMT2D (lysine methyltransferase 2D; minus strand), LOC126861520 (CDK7 strongly-dependent group 2 enhancer GRCh37_chr12:49442744-49443943; plus strand). Cytogenetic location: 12q13.12.
Variant type: single nucleotide variant.
Coding change: c.3743T>G on transcript NM_003482.4 (MANE Select); coding-DNA position 3743, T replaced by G.
Protein change: p.Val1248Gly; replaces valine 1248 with glycine.
Molecular consequence: missense variant.
Genome position (GRCh38, 1-based): chr12:49,049,845, A>C on the plus strand (T>G on the coding strand, the complement: KMT2D is on the minus strand). VCF-style: chr12-49049845-A-C. GRCh37 (hg19) VCF-style: chr12-49443628-A-C.
Other names: short protein forms V1248G.
Identifiers: ClinVar variation 2135705 (VCV002135705.4), dbSNP rs2120641505, ClinGen allele CA384655358.